The following is an entry in ClinVar:

ClinVar aggregate classification (germline): Uncertain significance (1 of 4 stars; one submission).

gnomAD v4.1: 2 of 1,614,058 alleles (0.00012%); highest among the groups gnomAD compares: Non-Finnish European, 0.00017%; no homozygotes.

Submission:

Labcorp Genetics (formerly Invitae), Labcorp
Classification: Uncertain significance. Last evaluated: 2025-05-07. Review status: criteria provided, single submitter. Criteria: Invitae Variant Classification Sherloc (09022015). Collection method: clinical testing. Allele origin: germline.
Comment: This sequence change replaces histidine, which is basic and polar, with tyrosine, which is neutral and polar, at codon 680 of the TNNI3K protein (p.His680Tyr). This variant is present in population databases (no rsID available, gnomAD 0.007%). This variant has not been reported in the literature in individuals affected with TNNI3K-related conditions. ClinVar contains an entry for this variant (Variation ID: 1509683). An algorithm developed to predict the effect of missense changes on protein structure and function (PolyPhen-2) suggests that this variant is likely to be disruptive. In summary, the available evidence is currently insufficient to determine the role of this variant in disease. Therefore, it has been classified as a Variant of Uncertain Significance.

NM_015978.3(TNNI3K):c.2038C>T (p.His680Tyr)

Genes: FPGT-TNNI3K (FPGT-TNNI3K readthrough; plus strand), TNNI3K (TNNI3 interacting kinase; plus strand). Cytogenetic location: 1p31.1.
Variant type: single nucleotide variant.
Coding change: c.2038C>T on transcript NM_015978.3 (MANE Select); coding-DNA position 2038, C replaced by T.
Protein change: p.His680Tyr; replaces histidine 680 with tyrosine.
Molecular consequence: missense variant.
Genome position (GRCh38, 1-based): chr1:74,463,467, C>T. VCF-style: chr1-74463467-C-T. GRCh37 (hg19) VCF-style: chr1-74929151-C-T.
Other names: c.2341C>T, p.His781Tyr (NM_001112808.3, NM_001199327.2); short protein forms H781Y, H680Y.
Identifiers: ClinVar variation 1509683 (VCV001509683.8), dbSNP rs200598601, ClinGen allele CA24555680.